The following is an entry in ClinVar:

ClinVar aggregate classification (germline): Pathogenic/Likely pathogenic. Review status: criteria provided, multiple submitters, no conflicts (2 of 4 stars). 3 submissions from 3 submitters: Pathogenic (2); Likely pathogenic (1). Last evaluated 2023-05-03.

Conditions:
Familial adenomatous polyposis 1 (FAP1). Also called: POLYPOSIS, ADENOMATOUS INTESTINAL; FAMILIAL ADENOMATOUS POLYPOSIS 1, ATTENUATED. Identifiers: MedGen C2713442, MONDO:0021056, OMIM 175100. Disease mechanism: loss of function.

Submissions (3):

Myriad Genetics, Inc.
Classification: Pathogenic for Familial adenomatous polyposis 1. Last evaluated: 2023-05-03. Review status: criteria provided, single submitter. Criteria: Myriad Autosomal Dominant, Autosomal Recessive and X-Linked Classification Criteria (2023). Collection method: clinical testing. Allele origin: unknown.
Comment: This variant is considered pathogenic. This variant creates a termination codon and is predicted to result in premature protein truncation.

Labcorp Genetics (formerly Invitae), Labcorp
Classification: Pathogenic for Familial adenomatous polyposis 1. Last evaluated: 2022-09-21. Review status: criteria provided, single submitter. Criteria: Invitae Variant Classification Sherloc (09022015). Collection method: clinical testing. Allele origin: germline.
Comment: This premature translational stop signal has been observed in individual(s) with personal and/or family history of APC-related conditions (PMID: 8252631). This variant is not present in population databases (gnomAD no frequency). This sequence change creates a premature translational stop signal (p.Trp685*) in the APC gene. While this is not anticipated to result in nonsense mediated decay, it is expected to disrupt the last 2159 amino acid(s) of the APC protein. This variant is expected to disrupt the EB1 and HDLG binding sites, which mediate interactions with the cytoskeleton (PMID: 15311282, 17293347). While functional studies have not been performed to directly test the effect on APC protein function, this suggests that disruption of the C-terminal portion of the protein is functionally important. For these reasons, this variant has been classified as Pathogenic. A different truncation (p.Tyr2645Lysfs*14) that lies downstream of this variant has been determined to be pathogenic (PMID: 9824584, 1316610, 27081525, 8381579, 22135120, Invitae). This suggests that deletion of this region of the APC protein is causative of disease. ClinVar contains an entry for this variant (Variation ID: 1339059).

Neuberg Centre For Genomic Medicine, NCGM
Classification: Likely pathogenic for Familial adenomatous polyposis 1. Review status: criteria provided, single submitter. Criteria: ACMG Guidelines, 2015. Collection method: clinical testing. Allele origin: germline. Affected: yes.
Comment: The stop gained p.W685* in APC (NM_000038.6) has not been reported previously as a pathogenic variant nor as a benign variant, to our knowledge. The p.W685* variant is novel (not in any individuals) in gnomAD Exomes and is novel (not in any individuals) in 1000 Genomes. This variant is predicted to cause loss of normal protein function through protein truncation. Further downstream pathogenic variant have been reported and hence though the variant is in the last exon, it has been classified as Likely Pathogenic.

Literature cited by the submitters: PubMed 8252631 (cited by Labcorp Genetics (formerly Invitae), Labcorp); PubMed 15311282 (cited by Labcorp Genetics (formerly Invitae), Labcorp); PubMed 17293347 (cited by Labcorp Genetics (formerly Invitae), Labcorp); PubMed 9824584 (cited by Labcorp Genetics (formerly Invitae), Labcorp); PubMed 1316610 (cited by Labcorp Genetics (formerly Invitae), Labcorp); PubMed 27081525 (cited by Labcorp Genetics (formerly Invitae), Labcorp); PubMed 8381579 (cited by Labcorp Genetics (formerly Invitae), Labcorp); PubMed 22135120 (cited by Labcorp Genetics (formerly Invitae), Labcorp).

NM_000038.6(APC):c.2054G>A (p.Trp685Ter)

Gene: APC (APC regulator of Wnt signaling pathway; plus strand). Cytogenetic location: 5q22.2.
Variant type: single nucleotide variant.
Coding change: c.2054G>A on transcript NM_000038.6 (MANE Select); coding-DNA position 2054, G replaced by A.
Protein change: p.Trp685Ter; replaces tryptophan 685 with a stop codon.
Molecular consequence: nonsense.
Genome position (GRCh38, 1-based): chr5:112,837,648, G>A. VCF-style: chr5-112837648-G-A. GRCh37 (hg19) VCF-style: chr5-112173345-G-A.
Other names: c.2054G>A, p.Trp685Ter (NM_001127510.3, NM_001354895.2); c.2000G>A, p.Trp667Ter (NM_001127511.3); c.2108G>A, p.Trp703Ter (NM_001354896.2); c.2084G>A, p.Trp695Ter (NM_001354897.2); c.1979G>A, p.Trp660Ter (NM_001354898.2); c.1970G>A, p.Trp657Ter (NM_001354899.2); c.1931G>A, p.Trp644Ter (NM_001354900.2); c.1877G>A, p.Trp626Ter (NM_001354901.2); and 5 more; short protein forms W402*, W525*, W559*, W584*, W594*, W626*, W644*, W657*.
Identifiers: ClinVar variation 1339059 (VCV001339059.8), dbSNP rs2149859555, ClinGen allele CA16025811.